The following is an entry in ClinVar:

NM_005097.4(LGI1):c.1325G>A (p.Gly442Glu)

Gene: LGI1 (leucine rich glioma inactivated 1; plus strand). Cytogenetic location: 10q23.33.
Variant type: single nucleotide variant.
Coding change: c.1325G>A on transcript NM_005097.4 (MANE Select); coding-DNA position 1325, G replaced by A.
Protein change: p.Gly442Glu; replaces glycine 442 with glutamic acid.
Molecular consequence: missense variant. On other transcripts: non-coding transcript variant (1), intron variant (1).
Genome position (GRCh38, 1-based): chr10:93,797,454, G>A. VCF-style: chr10-93797454-G-A. GRCh37 (hg19) VCF-style: chr10-95557211-G-A.
Other names: c.1181G>A, p.Gly394Glu (NM_001308276.2); c.839-295G>A (NM_001308275.2); c.1325G>A (NM_005097.2); short protein forms G394E, G442E.
Identifiers: ClinVar variation 1948584 (VCV001948584.6), dbSNP rs777414217, ClinGen allele CA5611253.

ClinVar aggregate classification (germline): Uncertain significance. Review status: criteria provided, multiple submitters, no conflicts (2 of 4 stars). 2 submissions from 2 submitters: Uncertain significance (2). Last evaluated 2025-11-19.

Conditions:
Autosomal dominant epilepsy with auditory features. Identifiers: Orphanet 101046, MedGen C1838062, MONDO:0010898.
Inborn genetic diseases. Identifiers: MedGen C0950123, MeSH D030342.

Allele frequency attached by ClinVar (database versions not stated): gnomAD exomes below 0.00001; ExAC 0.00002.

Submissions (2):

Ambry Genetics
Classification: Uncertain significance for Inborn genetic diseases. Last evaluated: 2025-11-19. Review status: criteria provided, single submitter. Criteria: Ambry Variant Classification Scheme 2023. Collection method: clinical testing. Allele origin: germline.

Labcorp Genetics (formerly Invitae), Labcorp
Classification: Uncertain significance for Autosomal dominant epilepsy with auditory features. Last evaluated: 2024-02-07. Review status: criteria provided, single submitter. Criteria: Invitae Variant Classification Sherloc (09022015). Collection method: clinical testing. Allele origin: germline.
Comment: This sequence change replaces glycine, which is neutral and non-polar, with glutamic acid, which is acidic and polar, at codon 442 of the LGI1 protein (p.Gly442Glu). This variant is present in population databases (rs777414217, gnomAD 0.01%). This variant has not been reported in the literature in individuals affected with LGI1-related conditions. ClinVar contains an entry for this variant (Variation ID: 1948584). Advanced modeling of protein sequence and biophysical properties (such as structural, functional, and spatial information, amino acid conservation, physicochemical variation, residue mobility, and thermodynamic stability) performed at Invitae indicates that this missense variant is not expected to disrupt LGI1 protein function with a negative predictive value of 80%. In summary, the available evidence is currently insufficient to determine the role of this variant in disease. Therefore, it has been classified as a Variant of Uncertain Significance.